The following is an entry in ClinVar:

ClinVar aggregate classification (germline): Uncertain significance (1 of 4 stars; one submission).

Conditions:
Catecholaminergic polymorphic ventricular tachycardia 1. Also called: VENTRICULAR TACHYCARDIA, CATECHOLAMINERGIC POLYMORPHIC, 1, WITH OR WITHOUT ATRIAL DYSFUNCTION AND/OR DILATED CARDIOMYOPATHY; RYR2-Related Catecholaminergic Polymorphic Ventricular Tachycardia; VENTRICULAR TACHYCARDIA, STRESS-INDUCED POLYMORPHIC 1. Identifiers: Orphanet 3286, MedGen C1631597, MONDO:0011484, OMIM 604772.

Submission:

Labcorp Genetics (formerly Invitae), Labcorp
Classification: Uncertain significance for Catecholaminergic polymorphic ventricular tachycardia 1. Last evaluated: 2024-03-04. Review status: criteria provided, single submitter. Criteria: Invitae Variant Classification Sherloc (09022015). Collection method: clinical testing. Allele origin: germline.
Comment: This sequence change replaces leucine, which is neutral and non-polar, with isoleucine, which is neutral and non-polar, at codon 4248 of the RYR2 protein (p.Leu4248Ile). This variant is not present in population databases (gnomAD no frequency). This variant has not been reported in the literature in individuals affected with RYR2-related conditions. Advanced modeling of protein sequence and biophysical properties (such as structural, functional, and spatial information, amino acid conservation, physicochemical variation, residue mobility, and thermodynamic stability) performed at Invitae indicates that this missense variant is not expected to disrupt RYR2 protein function with a negative predictive value of 95%. In summary, the available evidence is currently insufficient to determine the role of this variant in disease. Therefore, it has been classified as a Variant of Uncertain Significance.

NM_001035.3(RYR2):c.12742C>A (p.Leu4248Ile)

Genes: RYR2 (ryanodine receptor 2; plus strand), LOC126806068 (BRD4-independent group 4 enhancer GRCh37_chr1:237947411-237948610; plus strand). Cytogenetic location: 1q43.
Variant type: single nucleotide variant.
Coding change: c.12742C>A on transcript NM_001035.3 (MANE Select); coding-DNA position 12742, C replaced by A.
Protein change: p.Leu4248Ile; replaces leucine 4248 with isoleucine.
Molecular consequence: missense variant.
Genome position (GRCh38, 1-based): chr1:237,784,454, C>A. VCF-style: chr1-237784454-C-A. GRCh37 (hg19) VCF-style: chr1-237947754-C-A.
Other names: short protein forms L4248I.
Identifiers: ClinVar variation 3633838 (VCV003633838.2).